The following is an entry in ClinVar:

NM_004006.3(DMD):c.3916C>G (p.Leu1306Val)

Gene: DMD (dystrophin; minus strand). Cytogenetic location: Xp21.1.
Variant type: single nucleotide variant.
Coding change: c.3916C>G on transcript NM_004006.3 (MANE Select); coding-DNA position 3916, C replaced by G.
Protein change: p.Leu1306Val; replaces leucine 1306 with valine.
Molecular consequence: missense variant.
Genome position (GRCh38, 1-based): chrX:32,441,185, G>C on the plus strand (C>G on the coding strand, the complement: DMD is on the minus strand). VCF-style: chrX-32441185-G-C. GRCh37 (hg19) VCF-style: chrX-32459302-G-C.
Other names: c.3892C>G, p.Leu1298Val (NM_000109.4); c.3904C>G, p.Leu1302Val (NM_004009.3); c.3547C>G, p.Leu1183Val (NM_004010.3); short protein forms L1306V, L1298V, L1302V, L1183V.
Identifiers: ClinVar variation 2099288 (VCV002099288.5), dbSNP rs1251778900, ClinGen allele CA412670126.
Genomic context (GRCh38, chrX:32,441,185, plus strand): 5'-ACCTCTTTTAATACTGCATATAAATTATCATCATTTGGCTTAATTTACAACTTACATCTA[G>C]CACCTCAGAGATTTCCTCAGCTCCGCCAGGAATGTTTTCAGTGGTTTTAAGTTTAAATTC-3'
Protein context (NP_003997.2, residues 1296-1316): PGGAEEISEV[Leu1306Val]DSLENLMRHS

ClinVar aggregate classification (germline): Uncertain significance. Review status: criteria provided, single submitter (1 of 4 stars). 2 submissions from 2 submitters: Uncertain significance (1). 1 of the submissions does not count toward it. Last evaluated 2022-02-19.

Conditions:
Becker muscular dystrophy, Cardiomyopathy, Duchenne muscular dystrophy, Dystrophin deficiency.
Duchenne muscular dystrophy (DMD). Also called: MUSCULAR DYSTROPHY, PSEUDOHYPERTROPHIC PROGRESSIVE, DUCHENNE TYPE; Duchenne Muscular Dystrophy (DMD). Identifiers: Orphanet 98896, MedGen C0013264, MONDO:0010679, OMIM 310200.

Submissions (2):

Labcorp Genetics (formerly Invitae), Labcorp
Classification: Uncertain significance for Duchenne muscular dystrophy. Last evaluated: 2022-02-19. Review status: criteria provided, single submitter. Criteria: Invitae Variant Classification Sherloc (09022015). Collection method: clinical testing. Allele origin: germline.
Comment: Algorithms developed to predict the effect of missense changes on protein structure and function (SIFT, PolyPhen-2, Align-GVGD) all suggest that this variant is likely to be disruptive. In summary, the available evidence is currently insufficient to determine the role of this variant in disease. Therefore, it has been classified as a Variant of Uncertain Significance. This variant has not been reported in the literature in individuals affected with DMD-related conditions. This variant is not present in population databases (gnomAD no frequency). This sequence change replaces leucine, which is neutral and non-polar, with valine, which is neutral and non-polar, at codon 1306 of the DMD protein (p.Leu1306Val).

Natera, Inc.
Classification: Uncertain significance for Becker muscular dystrophy, Cardiomyopathy, Duchenne muscular dystrophy, Dystrophin deficiency. Last evaluated: 2025-03-04. Review status: no assertion criteria provided. Collection method: clinical testing. Allele origin: germline. Not counted in ClinVar's aggregate classification.